The following is an entry in ClinVar:

NM_000124.4(ERCC6):c.439del (p.Ser146_Leu147insTer)

Gene: ERCC6 (ERCC excision repair 6, chromatin remodeling factor; minus strand). Cytogenetic location: 10q11.23.
Variant type: Deletion.
Coding change: c.439del on transcript NM_000124.4 (MANE Select); coding-DNA position 439, one base deleted (C; older notation c.439delC).
Protein change: p.Ser146_Leu147insTer.
Molecular consequence: nonsense.
Genome position (GRCh38, 1-based): chr10:49,530,824, G deleted on the plus strand (C on the coding strand, the reverse complement: ERCC6 is on the minus strand); the first of 3 consecutive G bases (chr10:49,530,824-49,530,826); deleting any one gives the same sequence. VCF-style (leftmost placement, unchanged base first): chr10-49530823-AG-A. GRCh37 (hg19) VCF-style: chr10-50738869-AG-A.
Other names: c.439del, p.Ser146_Leu147insTer (NM_001277058.2, NM_001277059.2, NM_001346440.2); c.439delC (NM_000124.2); c.439del (NM_000124.2).
Identifiers: ClinVar variation 556810 (VCV000556810.3), dbSNP rs1554794360, ClinGen allele CA658822525.

ClinVar aggregate classification (germline): Likely pathogenic. Review status: criteria provided, single submitter (1 of 4 stars). 2 submissions from 2 submitters: Likely pathogenic (1). 1 of the submissions does not count toward it. Last evaluated 2026-04-23.

Conditions:
DE SANCTIS-CACCHIONE SYNDROME. Identifiers: MedGen C0265201, MONDO:0010217, OMIM 278800.
Cerebrooculofacioskeletal syndrome 1 (COFS1). Also called: Cerebro-oculo-facio-skeletal syndrome 1. Identifiers: MedGen C0220722, MONDO:0008955, OMIM 214150.
Cockayne syndrome type 2 (CSB). Also called: Cockayne Syndrome, Type II; COCKAYNE SYNDROME B. Identifiers: Orphanet 191, Orphanet 90322, MedGen C0751038, MONDO:0019570, OMIM 133540.

Submissions (2):

GeneDx
Classification: Likely pathogenic. Last evaluated: 2026-04-23. Review status: criteria provided, single submitter. Criteria: GeneDx Variant Classification Process June 2021. Collection method: clinical testing. Allele origin: germline.
Comment: Nonsense variant predicted to result in protein truncation or nonsense mediated decay in a gene for which loss of function is a known mechanism of disease; Not observed at significant frequency in large population cohorts (gnomAD); Has not been previously published as pathogenic or benign to our knowledge

Counsyl
Classification: Likely pathogenic for Cockayne syndrome type 2; Cerebrooculofacioskeletal syndrome 1; DE SANCTIS-CACCHIONE SYNDROME. Last evaluated: 2018-03-06. Review status: no assertion criteria provided. Collection method: clinical testing. Allele origin: unknown. Not counted in ClinVar's aggregate classification.